The following is an entry in ClinVar:

NM_024675.4(PALB2):c.29G>C (p.Ser10Thr)

Gene: PALB2 (partner and localizer of BRCA2; minus strand). Cytogenetic location: 16p12.2.
Variant type: single nucleotide variant.
Coding change: c.29G>C on transcript NM_024675.4 (MANE Select); coding-DNA position 29, G replaced by C.
Protein change: p.Ser10Thr; replaces serine 10 with threonine.
Molecular consequence: missense variant.
Genome position (GRCh38, 1-based): chr16:23,641,129, C>G on the plus strand (G>C on the coding strand, the complement: PALB2 is on the minus strand). VCF-style: chr16-23641129-C-G. GRCh37 (hg19) VCF-style: chr16-23652450-C-G.
Other names: short protein forms S10T.
Identifiers: ClinVar variation 822498 (VCV000822498.4), dbSNP rs876659643, ClinGen allele CA395141123.

ClinVar aggregate classification (germline): Uncertain significance (1 of 4 stars; one submission).

Conditions:
Hereditary cancer-predisposing syndrome. Also called: Tumor predisposition; Hereditary Cancer Syndrome; Neoplastic Syndromes, Hereditary; Hereditary neoplastic syndrome. Identifiers: Orphanet 140162, MedGen C0027672, MeSH D009386, MONDO:0015356.

Submission:

Ambry Genetics
Classification: Uncertain significance for Hereditary cancer-predisposing syndrome. Last evaluated: 2019-05-17. Review status: criteria provided, single submitter. Criteria: Ambry Variant Classification Scheme 2023. Collection method: clinical testing. Allele origin: germline.
Comment: The p.S10T variant (also known as c.29G>C), located in coding exon 1 of the PALB2 gene, results from a G to C substitution at nucleotide position 29. The serine at codon 10 is replaced by threonine, an amino acid with similar properties. This amino acid position is highly conserved in available vertebrate species. In addition, this alteration is predicted to be tolerated by in silico analysis. Since supporting evidence is limited at this time, the clinical significance of this alteration remains unclear.